The following is an entry in ClinVar:

ClinVar aggregate classification (germline): Conflicting classifications of pathogenicity. Review status: criteria provided, conflicting classifications (1 of 4 stars). 2 submissions from 2 submitters: Uncertain significance (1); Likely benign (1). Last evaluated 2024-04-22.

Submissions (2):

Labcorp Genetics (formerly Invitae), Labcorp
Classification: Uncertain significance. Last evaluated: 2024-04-22. Review status: criteria provided, single submitter. Criteria: Invitae Variant Classification Sherloc (09022015). Collection method: clinical testing. Allele origin: germline.
Comment: This sequence change replaces arginine, which is basic and polar, with cysteine, which is neutral and slightly polar, at codon 324 of the BUB1 protein (p.Arg324Cys). This variant is present in population databases (rs200486519, gnomAD 0.003%). This variant has not been reported in the literature in individuals affected with BUB1-related conditions. ClinVar contains an entry for this variant (Variation ID: 1767940). Algorithms developed to predict the effect of missense changes on protein structure and function output the following: SIFT: "Not Available"; PolyPhen-2: "Not Available"; Align-GVGD: "Not Available". The cysteine amino acid residue is found in multiple mammalian species, which suggests that this missense change does not adversely affect protein function. In summary, the available evidence is currently insufficient to determine the role of this variant in disease. Therefore, it has been classified as a Variant of Uncertain Significance.

Ambry Genetics
Classification: Likely benign. Last evaluated: 2022-10-28. Review status: criteria provided, single submitter. Criteria: Ambry Variant Classification Scheme 2023. Collection method: clinical testing. Allele origin: germline.

NM_004336.5(BUB1):c.970C>T (p.Arg324Cys)

Gene: BUB1 (BUB1 mitotic checkpoint serine/threonine kinase; minus strand). Cytogenetic location: 2q13.
Variant type: single nucleotide variant.
Coding change: c.970C>T on transcript NM_004336.5 (MANE Select); coding-DNA position 970, C replaced by T.
Protein change: p.Arg324Cys; replaces arginine 324 with cysteine.
Molecular consequence: missense variant.
Genome position (GRCh38, 1-based): chr2:110,661,829, G>A on the plus strand (C>T on the coding strand, the complement: BUB1 is on the minus strand). VCF-style: chr2-110661829-G-A. GRCh37 (hg19) VCF-style: chr2-111419406-G-A.
Other names: c.910C>T, p.Arg304Cys (NM_001278616.2); c.970C>T, p.Arg324Cys (NM_001278617.2); short protein forms R324C, R304C.
Identifiers: ClinVar variation 1767940 (VCV001767940.4), dbSNP rs200486519, ClinGen allele CA1828184.